The following is an entry in ClinVar:

NM_004408.4(DNM1):c.1415A>G (p.Lys472Arg)

Gene: DNM1 (dynamin 1; plus strand). Cytogenetic location: 9q34.11.
Variant type: single nucleotide variant.
Coding change: c.1415A>G on transcript NM_004408.4 (MANE Select); coding-DNA position 1415, A replaced by G.
Protein change: p.Lys472Arg; replaces lysine 472 with arginine.
Molecular consequence: missense variant.
Genome position (GRCh38, 1-based): chr9:128,234,100, A>G. VCF-style: chr9-128234100-A-G. GRCh37 (hg19) VCF-style: chr9-130996379-A-G.
Other names: c.1415A>G, p.Lys472Arg (NM_001005336.3, NM_001288737.2, NM_001288738.2 and 2 more transcripts); short protein forms K472R.
Identifiers: ClinVar variation 3381716 (VCV003381716.1).

ClinVar aggregate classification (germline): Uncertain significance (1 of 4 stars; one submission).

gnomAD v4.1: 1 of 1,558,792 alleles (0.000064%); highest among the groups gnomAD compares: East Asian, 0.0024%; no homozygotes.

Submission:

GeneDx
Classification: Uncertain significance. Last evaluated: 2024-05-21. Review status: criteria provided, single submitter. Criteria: GeneDx Variant Classification Process June 2021. Collection method: clinical testing. Allele origin: germline. Affected: yes.
Comment: Not observed at significant frequency in large population cohorts (gnomAD); In silico analysis indicates that this missense variant does not alter protein structure/function; Has not been previously published as pathogenic or benign to our knowledge